The following is an entry in ClinVar:

ClinVar aggregate classification (germline): Benign. Review status: criteria provided, multiple submitters, no conflicts (2 of 4 stars). 3 submissions from 3 submitters: Benign (2). 1 of the submissions does not count toward it. Last evaluated 2018-09-26.

Conditions:
ATP2C2-related disorder. Also called: ATP2C2-related condition.

Allele frequency attached by ClinVar (database versions not stated): gnomAD exomes 0.00096 and 0.00246; ExAC 0.00320; gnomAD 0.00979 and 0.01032; ESP Exome Variant Server 0.01042; TOPMed 0.01079; 1000 Genomes Project 0.01398; 1000 Genomes Project 30x 0.01468.
gnomAD v4.1: 2,942 of 1,614,108 alleles (0.18%); highest among the groups gnomAD compares: African/African-American, 3.5%; 51 homozygotes.

Submissions (3):

Labcorp Genetics (formerly Invitae), Labcorp
Classification: Benign. Last evaluated: 2018-09-26. Review status: criteria provided, single submitter. Criteria: Invitae Variant Classification Sherloc (09022015). Collection method: clinical testing. Allele origin: germline.

Breakthrough Genomics
Classification: Benign. Review status: criteria provided, single submitter. Criteria: ACMG Guidelines, 2015. Collection method: not provided. Allele origin: germline. Inheritance: Unknown mechanism. Affected: yes.

PreventionGenetics, part of Exact Sciences
Classification: Benign for ATP2C2-related condition. Last evaluated: 2019-02-18. Review status: no assertion criteria provided. Collection method: clinical testing. Allele origin: germline. Not counted in ClinVar's aggregate classification.
Comment: This variant is classified as benign based on ACMG/AMP sequence variant interpretation guidelines (Richards et al. 2015 PMID: 25741868, with internal and published modifications).

NM_014861.4(ATP2C2):c.2319G>T (p.Gly773=)

Genes: ATP2C2 (ATPase secretory pathway Ca2+ transporting 2; plus strand), ATP2C2-AS1 (ATP2C2 antisense RNA 1; minus strand). Cytogenetic location: 16q24.1.
Variant type: single nucleotide variant.
Coding change: c.2319G>T on transcript NM_014861.4 (MANE Select); coding-DNA position 2319, G replaced by T.
Protein change: p.Gly773=; no amino-acid change (glycine 773 retained).
Molecular consequence: synonymous variant. On other transcripts: non-coding transcript variant (1).
Genome position (GRCh38, 1-based): chr16:84,459,372, G>T. VCF-style: chr16-84459372-G-T. GRCh37 (hg19) VCF-style: chr16-84492978-G-T.
Other names: c.2319G>T, p.Gly773= (NM_001286527.3); c.1866G>T, p.Gly622= (NM_001291454.2).
Identifiers: ClinVar variation 791337 (VCV000791337.6), dbSNP rs13334642, ClinGen allele CA8208072.